The following is an entry in ClinVar:

ClinVar aggregate classification (germline): Uncertain significance. Review status: criteria provided, multiple submitters, no conflicts (2 of 4 stars). 3 submissions from 3 submitters: Uncertain significance (3). Last evaluated 2025-03-16.

Conditions:
Hereditary cancer-predisposing syndrome. Also called: Tumor predisposition; Hereditary neoplastic syndrome; Hereditary Cancer Syndrome; Neoplastic Syndromes, Hereditary. Identifiers: Orphanet 140162, MedGen C0027672, MeSH D009386, MONDO:0015356.
Familial adenomatous polyposis 1 (FAP1). Also called: FAMILIAL ADENOMATOUS POLYPOSIS 1, ATTENUATED; POLYPOSIS, ADENOMATOUS INTESTINAL. Identifiers: MedGen C2713442, MONDO:0021056, OMIM 175100. Disease mechanism: loss of function.

Submissions (3):

Labcorp Genetics (formerly Invitae), Labcorp
Classification: Uncertain significance for Familial adenomatous polyposis 1. Last evaluated: 2025-03-16. Review status: criteria provided, single submitter. Criteria: Invitae Variant Classification Sherloc (09022015). Collection method: clinical testing. Allele origin: germline.
Comment: This sequence change replaces phenylalanine, which is neutral and non-polar, with leucine, which is neutral and non-polar, at codon 1823 of the APC protein (p.Phe1823Leu). This variant is not present in population databases (gnomAD no frequency). This variant has not been reported in the literature in individuals affected with APC-related conditions. ClinVar contains an entry for this variant (Variation ID: 1171433). Invitae Evidence Modeling of protein sequence and biophysical properties (such as structural, functional, and spatial information, amino acid conservation, physicochemical variation, residue mobility, and thermodynamic stability) indicates that this missense variant is not expected to disrupt APC protein function with a negative predictive value of 95%. In summary, the available evidence is currently insufficient to determine the role of this variant in disease. Therefore, it has been classified as a Variant of Uncertain Significance.

Ambry Genetics
Classification: Uncertain significance for Hereditary cancer-predisposing syndrome. Last evaluated: 2024-12-15. Review status: criteria provided, single submitter. Criteria: Ambry Variant Classification Scheme 2023. Collection method: clinical testing. Allele origin: germline.
Comment: The p.F1823L variant (also known as c.5467T>C), located in coding exon 15 of the APC gene, results from a T to C substitution at nucleotide position 5467. The phenylalanine at codon 1823 is replaced by leucine, an amino acid with highly similar properties. This amino acid position is conserved. In addition, in silico predictors for this gene do not accurately predict pathogenicity. Based on the available evidence, the clinical significance of this variant remains unclear.

Color Diagnostics, LLC DBA Color Health
Classification: Uncertain significance for Hereditary cancer-predisposing syndrome. Last evaluated: 2020-05-26. Review status: criteria provided, single submitter. Criteria: ACMG Guidelines, 2015. Collection method: clinical testing. Allele origin: germline.
Comment: This missense variant replaces phenylalanine with leucine at codon 1823 of the APC protein. Computational prediction suggests that this variant may not impact protein structure and function (internally defined REVEL score threshold <= 0.5, PMID: 27666373). To our knowledge, functional studies have not been reported for this variant. This variant has not been reported in individuals affected with hereditary cancer in the literature. This variant has not been identified in the general population by the Genome Aggregation Database (gnomAD). The available evidence is insufficient to determine the role of this variant in disease conclusively. Therefore, this variant is classified as a Variant of Uncertain Significance.

NM_000038.6(APC):c.5467T>C (p.Phe1823Leu)

Gene: APC (APC regulator of Wnt signaling pathway; plus strand). Cytogenetic location: 5q22.2.
Variant type: single nucleotide variant.
Coding change: c.5467T>C on transcript NM_000038.6 (MANE Select); coding-DNA position 5467, T replaced by C.
Protein change: p.Phe1823Leu; replaces phenylalanine 1823 with leucine.
Molecular consequence: missense variant.
Genome position (GRCh38, 1-based): chr5:112,841,061, T>C. VCF-style: chr5-112841061-T-C. GRCh37 (hg19) VCF-style: chr5-112176758-T-C.
Other names: c.5467T>C, p.Phe1823Leu (NM_001127510.3, NM_001354895.2); c.5497T>C, p.Phe1833Leu (NM_001354897.2); c.5413T>C, p.Phe1805Leu (NM_001127511.3); c.5521T>C, p.Phe1841Leu (NM_001354896.2); c.5392T>C, p.Phe1798Leu (NM_001354898.2); c.5383T>C, p.Phe1795Leu (NM_001354899.2); c.5344T>C, p.Phe1782Leu (NM_001354900.2); c.5290T>C, p.Phe1764Leu (NM_001354901.2); and 5 more; short protein forms F1540L, F1663L, F1697L, F1722L, F1732L, F1764L, F1782L, F1795L.
Identifiers: ClinVar variation 1171433 (VCV001171433.6), dbSNP rs2149940905, ClinGen allele CA16033290.